The following is an entry in ClinVar:

ClinVar aggregate classification (germline): Uncertain significance. Review status: criteria provided, multiple submitters, no conflicts (2 of 4 stars). 2 submissions from 2 submitters: Uncertain significance (2). Last evaluated 2024-02-17.

Conditions:
Inborn genetic diseases. Identifiers: MedGen C0950123, MeSH D030342.
Familial cold autoinflammatory syndrome 2 (FCAS2). Identifiers: Orphanet 247868, MedGen C2673198, MONDO:0012724, OMIM 611762.

Allele frequency attached by ClinVar (database versions not stated): gnomAD exomes below 0.00001.
gnomAD v4.1: 1 of 1,613,798 alleles (0.000062%); highest among the groups gnomAD compares: Non-Finnish European, 0.000085%; no homozygotes.

Submissions (2):

Labcorp Genetics (formerly Invitae), Labcorp
Classification: Uncertain significance for Familial cold autoinflammatory syndrome 2. Last evaluated: 2024-02-17. Review status: criteria provided, single submitter. Criteria: Invitae Variant Classification Sherloc (09022015). Collection method: clinical testing. Allele origin: germline.
Comment: This sequence change replaces glycine, which is neutral and non-polar, with serine, which is neutral and polar, at codon 420 of the NLRP12 protein (p.Gly420Ser). This variant is not present in population databases (gnomAD no frequency). This variant has not been reported in the literature in individuals affected with NLRP12-related conditions. ClinVar contains an entry for this variant (Variation ID: 2059951). Algorithms developed to predict the effect of missense changes on protein structure and function output the following: SIFT: "Not Available"; PolyPhen-2: "Benign"; Align-GVGD: "Not Available". The serine amino acid residue is found in multiple mammalian species, which suggests that this missense change does not adversely affect protein function. In summary, the available evidence is currently insufficient to determine the role of this variant in disease. Therefore, it has been classified as a Variant of Uncertain Significance.

Ambry Genetics
Classification: Uncertain significance for Inborn genetic diseases. Last evaluated: 2022-12-02. Review status: criteria provided, single submitter. Criteria: Ambry Variant Classification Scheme 2023. Collection method: clinical testing. Allele origin: germline.

NM_144687.4(NLRP12):c.1258G>A (p.Gly420Ser)

Gene: NLRP12 (NLR family pyrin domain containing 12; minus strand). Cytogenetic location: 19q13.42.
Variant type: single nucleotide variant.
Coding change: c.1258G>A on transcript NM_144687.4 (MANE Select); coding-DNA position 1258, G replaced by A.
Protein change: p.Gly420Ser; replaces glycine 420 with serine.
Molecular consequence: missense variant.
Genome position (GRCh38, 1-based): chr19:53,810,401, C>T on the plus strand (G>A on the coding strand, the complement: NLRP12 is on the minus strand). VCF-style: chr19-53810401-C-T. GRCh37 (hg19) VCF-style: chr19-54313655-C-T.
Other names: c.1258G>A, p.Gly420Ser (NM_001277126.2, NM_001277129.1); short protein forms G420S.
Identifiers: ClinVar variation 2059951 (VCV002059951.5), dbSNP rs1568679968, ClinGen allele CA407413903.
Genomic context (GRCh38, chr19:53,810,401, plus strand): 5'-GCAGGTAGAGCATGTACACTGCAGTGGTGGTCCTGGACGTCTGTCTCAACAGCCCCCCAC[C>T]CTCCAGCTGCTGCTGGAGGCAGGTACACACCACCCAGCACACCAGGGGGACGAAGCACAT-3'
Protein context (NP_653288.1, residues 410-430): VCTCLQQQLE[Gly420Ser]GGLLRQTSRT